The following is an entry in ClinVar:

ClinVar aggregate classification (germline): Uncertain significance. Review status: criteria provided, single submitter (1 of 4 stars). 2 submissions from 2 submitters: Uncertain significance (1). 1 of the submissions does not count toward it. Last evaluated 2023-11-27.

Conditions:
Mucopolysaccharidosis, MPS-III-A (MPS3A). Also called: SANFILIPPO SYNDROME A; SULFAMIDASE DEFICIENCY; MPS III A; MUCOPOLYSACCHARIDOSIS, TYPE IIIA, ATTENUATED; Mucopolysaccharidosis type IIIA (Sanfilippo A); MPS IIIA (Sanfilippo Syndrome Type A). Identifiers: Orphanet 581, Orphanet 79269, MedGen C0086647, MONDO:0009655, OMIM 252900.

Submissions (2):

Labcorp Genetics (formerly Invitae), Labcorp
Classification: Uncertain significance for Mucopolysaccharidosis, MPS-III-A. Last evaluated: 2023-11-27. Review status: criteria provided, single submitter. Criteria: Invitae Variant Classification Sherloc (09022015). Collection method: clinical testing. Allele origin: germline.
Comment: This variant, c.1465_1467del, results in the deletion of 1 amino acid(s) of the SGSH protein (p.Glu489del), but otherwise preserves the integrity of the reading frame. This variant is present in population databases (no rsID available, gnomAD 0.01%). This variant has not been reported in the literature in individuals affected with SGSH-related conditions. ClinVar contains an entry for this variant (Variation ID: 552627). Experimental studies and prediction algorithms are not available or were not evaluated, and the functional significance of this variant is currently unknown. In summary, the available evidence is currently insufficient to determine the role of this variant in disease. Therefore, it has been classified as a Variant of Uncertain Significance.

Counsyl
Classification: Uncertain significance for Mucopolysaccharidosis, MPS-III-A. Last evaluated: 2017-06-28. Review status: no assertion criteria provided. Collection method: clinical testing. Allele origin: unknown. Not counted in ClinVar's aggregate classification.

NM_000199.5(SGSH):c.1462GAG[1] (p.Glu489del)

Gene: SGSH (N-sulfoglucosamine sulfohydrolase; minus strand). Cytogenetic location: 17q25.3.
Variant type: Microsatellite.
Coding change: c.1462GAG[1] on transcript NM_000199.5 (MANE Select); one copy of the 3-base unit GAG starting at c.1462; the reference has two copies in a row; one copy, 3 bases deleted.
Protein change: p.Glu489del; deletes glutamic acid 489.
Molecular consequence: inframe deletion. On other transcripts: 3 prime UTR variant (2), non-coding transcript variant (1).
Genome position (GRCh38, 1-based): chr17:80,210,494-80,210,496, CTC deleted on the plus strand (GAG on the coding strand, the reverse complement: SGSH is on the minus strand); deleting any 3 consecutive bases within chr17:80,210,494-80,210,500 gives the same sequence; the position shown is the placement nearest the transcript's 3' end. VCF-style (leftmost placement, unchanged base first): chr17-80210493-TCTC-T. GRCh37 (hg19) VCF-style: chr17-78184292-TCTC-T.
Other names: c.*549GAG[1] (NM_001352921.3); c.*512GAG[1] (NM_001352922.2); short protein forms E489del.
Identifiers: ClinVar variation 552627 (VCV000552627.4), dbSNP rs1252944094, ClinGen allele CA628018992.